The following is an entry in ClinVar:

ClinVar aggregate classification (germline): Uncertain significance. Review status: criteria provided, multiple submitters, no conflicts (2 of 4 stars). 2 submissions from 2 submitters: Uncertain significance (2). Last evaluated 2026-09-04.

Conditions:
3-Methylglutaconic aciduria type 2 (BTHS). Also called: CARDIOSKELETAL MYOPATHY WITH NEUTROPENIA AND ABNORMAL MITOCHONDRIA; Barth syndrome. Identifiers: Orphanet 111, MedGen C0574083, MONDO:0010543, OMIM 302060.
Cardiovascular phenotype. Identifiers: MedGen CN230736.

Submissions (2):

Ambry Genetics
Classification: Uncertain significance for Cardiovascular phenotype. Last evaluated: 2026-09-04. Review status: criteria provided, single submitter. Criteria: Ambry Variant Classification Scheme 2023. Collection method: clinical testing. Allele origin: germline.
Comment: The p.E55Q variant (also known as c.163G>C), located in coding exon 2 of the TAZ gene, results from a G to C substitution at nucleotide position 163. The glutamic acid at codon 55 is replaced by glutamine, an amino acid with highly similar properties. This amino acid position is conserved. In addition, the in silico prediction for this alteration is inconclusive. Based on the available evidence, the clinical significance of this variant remains unclear.

Labcorp Genetics (formerly Invitae), Labcorp
Classification: Uncertain significance for 3-Methylglutaconic aciduria type 2. Last evaluated: 2025-02-18. Review status: criteria provided, single submitter. Criteria: Invitae Variant Classification Sherloc (09022015). Collection method: clinical testing. Allele origin: germline.
Comment: This sequence change replaces glutamic acid, which is acidic and polar, with glutamine, which is neutral and polar, at codon 55 of the TAZ protein (p.Glu55Gln). This variant is not present in population databases (gnomAD no frequency). This variant has not been reported in the literature in individuals affected with TAZ-related conditions. An algorithm developed to predict the effect of missense changes on protein structure and function (PolyPhen-2) suggests that this variant is likely to be disruptive. In summary, the available evidence is currently insufficient to determine the role of this variant in disease. Therefore, it has been classified as a Variant of Uncertain Significance.

NM_000116.5(TAFAZZIN):c.163G>C (p.Glu55Gln)

Gene: TAFAZZIN (tafazzin, phospholipid-lysophospholipid transacylase; plus strand). Cytogenetic location: Xq28.
Variant type: single nucleotide variant.
Coding change: c.163G>C on transcript NM_000116.5 (MANE Select); coding-DNA position 163, G replaced by C.
Protein change: p.Glu55Gln; replaces glutamic acid 55 with glutamine.
Molecular consequence: missense variant. On other transcripts: non-coding transcript variant (1).
Genome position (GRCh38, 1-based): chrX:154,412,139, G>C. VCF-style: chrX-154412139-G-C. GRCh37 (hg19) VCF-style: chrX-153640476-G-C.
Other names: c.163G>C (NM_000116.3); c.217G>C, p.Glu73Gln (NM_001303465.2, NM_001410698.1, NM_001440856.1 and 1 more transcripts); c.163G>C, p.Glu55Gln (NM_001440858.1, NM_181311.4, NM_181312.4 and 1 more transcripts); short protein forms E55Q, E73Q.
Identifiers: ClinVar variation 4710189 (VCV004710189.2).